The following is an entry in ClinVar:

NM_014334.4(FRRS1L):c.250C>T (p.Pro84Ser)

Gene: FRRS1L (ferric chelate reductase 1 like; minus strand). Cytogenetic location: 9q31.3.
Variant type: single nucleotide variant.
Coding change: c.250C>T on transcript NM_014334.4 (MANE Select); coding-DNA position 250, C replaced by T.
Protein change: p.Pro84Ser; replaces proline 84 with serine.
Molecular consequence: missense variant.
Genome position (GRCh38, 1-based): chr9:109,149,709, G>A on the plus strand (C>T on the coding strand, the complement: FRRS1L is on the minus strand). VCF-style: chr9-109149709-G-A. GRCh37 (hg19) VCF-style: chr9-111911989-G-A.
Other names: short protein forms P84S.
Identifiers: ClinVar variation 1346064 (VCV001346064.6), dbSNP rs1831307358, ClinGen allele CA374428380.
Genomic context (GRCh38, chr9:109,149,709, plus strand): 5'-TAGTTTTTCCACAGTCGTCCACTTTGATTTTGGCAAATGGATCCACAGGAGGAGCAGTAG[G>A]GAAGGGGTAACCTGGGCAGTGAGAATAAAGAAGGGTTAGAAAATCCAGTAACAACTGTTC-3'
Protein context (NP_055149.3, residues 74-94): RYLSEEGYPF[Pro84Ser]TAPPVDPFAK

ClinVar aggregate classification (germline): Uncertain significance (1 of 4 stars; one submission).

Conditions:
Developmental and epileptic encephalopathy, 37 (DEE37). Also called: Epileptic encephalopathy, early infantile, 37. Identifiers: MedGen C4310770, MONDO:0014859, OMIM 616981.

Allele frequency attached by ClinVar (database versions not stated): gnomAD 0.00001.
gnomAD v4.1: 2 of 1,611,512 alleles (0.00012%); highest among the groups gnomAD compares: East Asian, 0.0022%; no homozygotes.

Submission:

Labcorp Genetics (formerly Invitae), Labcorp
Classification: Uncertain significance for Developmental and epileptic encephalopathy, 37. Last evaluated: 2022-07-19. Review status: criteria provided, single submitter. Criteria: Invitae Variant Classification Sherloc (09022015). Collection method: clinical testing. Allele origin: germline.
Comment: This sequence change replaces proline, which is neutral and non-polar, with serine, which is neutral and polar, at codon 135 of the FRRS1L protein (p.Pro135Ser). This variant is not present in population databases (gnomAD no frequency). This variant has not been reported in the literature in individuals affected with FRRS1L-related conditions. ClinVar contains an entry for this variant (Variation ID: 1346064). Algorithms developed to predict the effect of missense changes on protein structure and function (SIFT, PolyPhen-2, Align-GVGD) all suggest that this variant is likely to be tolerated. Algorithms developed to predict the effect of sequence changes on RNA splicing suggest that this variant may create or strengthen a splice site. In summary, the available evidence is currently insufficient to determine the role of this variant in disease. Therefore, it has been classified as a Variant of Uncertain Significance.